The following is an entry in ClinVar:

ClinVar aggregate classification (germline): Likely benign (0 of 4 stars; one submission).

Conditions:
APOE-related disorder. Also called: APOE-related condition.

Submission:

PreventionGenetics, part of Exact Sciences
Classification: Likely benign for APOE-related condition. Last evaluated: 2019-03-20. Review status: no assertion criteria provided. Collection method: clinical testing. Allele origin: germline.
Comment: This variant is classified as likely benign based on ACMG/AMP sequence variant interpretation guidelines (Richards et al. 2015 PMID: 25741868, with internal and published modifications).

NM_000041.4(APOE):c.237-8G>C

Gene: APOE (apolipoprotein E; plus strand). Cytogenetic location: 19q13.32.
Variant type: single nucleotide variant.
Coding change: c.237-8G>C on transcript NM_000041.4 (MANE Select); 8 bases into the intron before coding-DNA position 237, G replaced by C.
Molecular consequence: intron variant.
Genome position (GRCh38, 1-based): chr19:44,908,525, G>C. VCF-style: chr19-44908525-G-C. GRCh37 (hg19) VCF-style: chr19-45411782-G-C.
Other names: c.315-8G>C (NM_001302688.2); c.237-8G>C (NM_001302691.2, NM_001302689.2, NM_001302690.2).
Identifiers: ClinVar variation 3047229 (VCV003047229.2), dbSNP rs748779489, ClinGen allele CA2740096928.